The following is an entry in ClinVar:

GRCh38/hg38 2q14.1-14.3(chr2:115987911-123142972)x1

Genes: C1QL2 (complement C1q like 2; minus strand), C2orf76 (chromosome 2 open reading frame 76; minus strand), CCDC93 (CCC complex scaffolding subunit CCDC93; minus strand), CFAP221 (cilia and flagella associated protein 221; plus strand), CLASP1 (cytoplasmic linker associated protein 1; minus strand) and 138 more. Cytogenetic location: 2q14.1-14.3.
Variant type: copy number loss.
Change: copy number 1 (one copy instead of two) of chr2:115,987,911-123,142,972 (7.16 Mb, GRCh38 coordinates, 1-based), cytogenetic band 2q14.1-14.3.
Identifiers: ClinVar variation 4755368 (VCV004755368.1).

ClinVar aggregate classification (germline): Pathogenic (1 of 4 stars; one submission).

Submission:

Clinical Genomics Laboratory, Laboratory for Precision Diagnostics, University of Washington
Classification: Pathogenic. Last evaluated: 2021-11-01. Review status: criteria provided, single submitter. Criteria: ACMG/ClinGen CNV Guidelines, 2019. Collection method: clinical testing. Allele origin: unknown. Affected: yes. Observed: 1 variant allele.
Comment: Heterozygous loss of function variants of GLI2, including whole gene deletions, have been found in people with holoprosencephaly and polydactyly.

Literature cited by the submitters: PubMed 22106008; PubMed 33235745; PubMed 25820550; PubMed 31862539; PubMed 27346851.